The following is an entry in ClinVar:

NM_002137.4(HNRNPA2B1):c.322_324del (p.Lys108del)

Gene: HNRNPA2B1 (heterogeneous nuclear ribonucleoprotein A2/B1; minus strand). Cytogenetic location: 7p15.2.
Variant type: Deletion.
Coding change: c.322_324del on transcript NM_002137.4 (MANE Select); coding-DNA positions 322 to 324, 3 bases deleted (AAA; older notation c.322_324delAAA).
Protein change: p.Lys108del; deletes lysine 108.
Molecular consequence: inframe deletion. On other transcripts: inframe indel (1).
Genome position (GRCh38, 1-based): chr7:26,196,958-26,196,960, TTT deleted on the plus strand (AAA on the coding strand, the reverse complement: HNRNPA2B1 is on the minus strand). VCF-style (leftmost placement, unchanged base first): chr7-26196957-CTTT-C. GRCh37 (hg19) VCF-style: chr7-26236577-CTTT-C.
Other names: c.358_360delAAA, p.Lys120del (NM_031243.4); short protein forms K120del, K108del.
Identifiers: ClinVar variation 1512625 (VCV001512625.6), dbSNP rs2128122460, ClinGen allele CA2573142068.
Genomic context (GRCh38, chr7:26,196,957, plus strand): 5'-TGGTATCAATTTTTCCATATTCCTCAAAGTAATCTCTAAGGTGATGTTCCTCAGTATCTT[CTTT>C]AATTCCGCCAACAAACAGCTTCTTCACAGTTACATGAGCCCCTGGTTTTCCAGATTCCTA-3'

ClinVar aggregate classification (germline): Uncertain significance (1 of 4 stars; one submission).

Conditions:
Inclusion body myopathy with early-onset Paget disease with or without frontotemporal dementia 2 (IBMPFD2). Also called: MULTISYSTEM PROTEINOPATHY 2. Identifiers: MedGen C3809468, MONDO:0014178, OMIM 615422.

Submission:

Labcorp Genetics (formerly Invitae), Labcorp
Classification: Uncertain significance for Inclusion body myopathy with early-onset Paget disease with or without frontotemporal dementia 2. Last evaluated: 2021-08-14. Review status: criteria provided, single submitter. Criteria: Invitae Variant Classification Sherloc (09022015). Collection method: clinical testing. Allele origin: germline.
Comment: This variant, c.358_360del, results in the deletion of 1 amino acid(s) of the HNRNPA2B1 protein (p.Lys120del), but otherwise preserves the integrity of the reading frame. This variant is not present in population databases (ExAC no frequency). This variant has not been reported in the literature in individuals affected with HNRNPA2B1-related conditions. Experimental studies and prediction algorithms are not available or were not evaluated, and the functional significance of this variant is currently unknown. In summary, the available evidence is currently insufficient to determine the role of this variant in disease. Therefore, it has been classified as a Variant of Uncertain Significance.